The following is an entry in ClinVar:

NM_020738.4(KIDINS220):c.4547A>G (p.Tyr1516Cys)

Gene: KIDINS220 (kinase D interacting substrate 220; minus strand). Cytogenetic location: 2p25.1.
Variant type: single nucleotide variant.
Coding change: c.4547A>G on transcript NM_020738.4 (MANE Select); coding-DNA position 4547, A replaced by G.
Protein change: p.Tyr1516Cys; replaces tyrosine 1516 with cysteine.
Molecular consequence: missense variant. On other transcripts: intron variant (6).
Genome position (GRCh38, 1-based): chr2:8,731,489, T>C on the plus strand (A>G on the coding strand, the complement: KIDINS220 is on the minus strand). VCF-style: chr2-8731489-T-C. GRCh37 (hg19) VCF-style: chr2-8871619-T-C.
Other names: c.4550A>G, p.Tyr1517Cys (NM_001348729.2); c.4493A>G, p.Tyr1498Cys (NM_001348731.2); c.4490A>G, p.Tyr1497Cys (NM_001348732.2); c.4379A>G, p.Tyr1460Cys (NM_001348734.2); c.4376A>G, p.Tyr1459Cys (NM_001348735.2); c.4250A>G, p.Tyr1417Cys (NM_001348736.2); c.3882+1955A>G (NM_001348741.2, NM_001348742.2, NM_001348743.2); c.3996+1955A>G (NM_001348738.2); and 1 more; short protein forms Y1497C, Y1516C, Y1517C, Y1460C, Y1498C, Y1417C, Y1459C.
Identifiers: ClinVar variation 3114372 (VCV003114372.2), dbSNP rs2527401169, ClinGen allele CA345763831.
Genomic context (GRCh38, chr2:8,731,489, plus strand): 5'-AGTGGAGTGTTATCTGATTCTTCTGTGCCAGATTCATCCTCGTCACTTGGGAGTTTTTGA[T>C]AGCGCAGCCCACTTCCCTTAAGCTTCAAATCTGTCTGGAAGAGGCTTGACCTTTCGGAAG-3'
Protein context (NP_065789.1, residues 1506-1526): DLKLKGSGLR[Tyr1516Cys]QKLPSDEDES

ClinVar aggregate classification (germline): Uncertain significance. Review status: criteria provided, multiple submitters, no conflicts (2 of 4 stars). 2 submissions from 2 submitters: Uncertain significance (2). Last evaluated 2025-10-23.

Conditions:
Inborn genetic diseases. Identifiers: MedGen C0950123, MeSH D030342.

Allele frequency attached by ClinVar (database versions not stated): gnomAD exomes below 0.00001.
gnomAD v4.1: 1 of 1,614,210 alleles (0.000062%); highest among the groups gnomAD compares: Non-Finnish European, 0.000085%; no homozygotes.

Submissions (2):

Labcorp Genetics (formerly Invitae), Labcorp
Classification: Uncertain significance. Last evaluated: 2025-10-23. Review status: criteria provided, single submitter. Criteria: Invitae Variant Classification Sherloc (09022015). Collection method: clinical testing. Allele origin: germline.
Comment: This sequence change replaces tyrosine, which is neutral and polar, with cysteine, which is neutral and slightly polar, at codon 1516 of the KIDINS220 protein (p.Tyr1516Cys). This variant is not present in population databases (gnomAD no frequency). This variant has not been reported in the literature in individuals affected with KIDINS220-related conditions. ClinVar contains an entry for this variant (Variation ID: 3114372). An algorithm developed to predict the effect of missense changes on protein structure and function (PolyPhen-2) suggests that this variant is likely to be disruptive. In summary, the available evidence is currently insufficient to determine the role of this variant in disease. Therefore, it has been classified as a Variant of Uncertain Significance.

Ambry Genetics
Classification: Uncertain significance for Inborn genetic diseases. Last evaluated: 2023-12-15. Review status: criteria provided, single submitter. Criteria: Ambry Variant Classification Scheme 2023. Collection method: clinical testing. Allele origin: germline.